The following is an entry in ClinVar:

ClinVar aggregate classification (germline): Uncertain significance. Review status: criteria provided, multiple submitters, no conflicts (2 of 4 stars). 2 submissions from 2 submitters: Uncertain significance (2). Last evaluated 2025-02-23.

Allele frequency attached by ClinVar (database versions not stated): gnomAD exomes 0.00001; ExAC 0.00005; TOPMed 0.00005; gnomAD 0.00007.

Submissions (2):

Labcorp Genetics (formerly Invitae), Labcorp
Classification: Uncertain significance. Last evaluated: 2025-02-23. Review status: criteria provided, single submitter. Criteria: Invitae Variant Classification Sherloc (09022015). Collection method: clinical testing. Allele origin: germline.
Comment: This sequence change replaces arginine, which is basic and polar, with glutamine, which is neutral and polar, at codon 513 of the ITSN2 protein (p.Arg513Gln). This variant is present in population databases (rs747619276, gnomAD 0.02%). This variant has not been reported in the literature in individuals affected with ITSN2-related conditions. ClinVar contains an entry for this variant (Variation ID: 2405495). Experimental studies and prediction algorithms are not available or were not evaluated, and the functional significance of this variant is currently unknown. In summary, the available evidence is currently insufficient to determine the role of this variant in disease. Therefore, it has been classified as a Variant of Uncertain Significance.

Ambry Genetics
Classification: Uncertain significance. Last evaluated: 2024-07-31. Review status: criteria provided, single submitter. Criteria: Ambry Variant Classification Scheme 2023. Collection method: clinical testing. Allele origin: germline.

NM_006277.3(ITSN2):c.1538G>A (p.Arg513Gln)

Gene: ITSN2 (intersectin 2; minus strand). Cytogenetic location: 2p23.3.
Variant type: single nucleotide variant.
Coding change: c.1538G>A on transcript NM_006277.3 (MANE Select); coding-DNA position 1538, G replaced by A.
Protein change: p.Arg513Gln; replaces arginine 513 with glutamine.
Molecular consequence: missense variant.
Genome position (GRCh38, 1-based): chr2:24,295,761, C>T on the plus strand (G>A on the coding strand, the complement: ITSN2 is on the minus strand). VCF-style: chr2-24295761-C-T. GRCh37 (hg19) VCF-style: chr2-24518630-C-T.
Other names: c.1496G>A, p.Arg499Gln (NM_001348181.2, NM_001348184.2); c.1538G>A, p.Arg513Gln (NM_001348182.2, NM_001348183.2, NM_001348185.2 and 3 more transcripts); short protein forms R513Q, R499Q.
Identifiers: ClinVar variation 2405495 (VCV002405495.4), dbSNP rs747619276, ClinGen allele CA1551447.